The following is an entry in ClinVar:

ClinVar aggregate classification (germline): Likely benign. Review status: criteria provided, single submitter (1 of 4 stars). 2 submissions from 2 submitters: Likely benign (1). 1 of the submissions does not count toward it. Last evaluated 2024-09-01.

Conditions:
PKD1L1-related disorder. Also called: PKD1L1-related condition.

Allele frequency attached by ClinVar (database versions not stated): gnomAD exomes 0.00001; ExAC 0.00003; TOPMed 0.00005; gnomAD 0.00007; 1000 Genomes Project 30x 0.00016; 1000 Genomes Project 0.00020.
gnomAD v4.1: 24 of 1,614,054 alleles (0.0015%); highest among the groups gnomAD compares: African/African-American, 0.017%; no homozygotes.

Submissions (2):

Labcorp Genetics (formerly Invitae), Labcorp
Classification: Likely benign. Last evaluated: 2024-09-01. Review status: criteria provided, single submitter. Criteria: Invitae Variant Classification Sherloc (09022015). Collection method: clinical testing. Allele origin: germline.

PreventionGenetics, part of Exact Sciences
Classification: Likely benign for PKD1L1-related condition. Last evaluated: 2019-05-23. Review status: no assertion criteria provided. Collection method: clinical testing. Allele origin: germline. Not counted in ClinVar's aggregate classification.
Comment: This variant is classified as likely benign based on ACMG/AMP sequence variant interpretation guidelines (Richards et al. 2015 PMID: 25741868, with internal and published modifications).

NM_138295.5(PKD1L1):c.708G>A (p.Pro236=)

Gene: PKD1L1 (polycystin 1 like 1, transient receptor potential channel interacting; minus strand). Cytogenetic location: 7p12.3.
Variant type: single nucleotide variant.
Coding change: c.708G>A on transcript NM_138295.5 (MANE Select); coding-DNA position 708, G replaced by A.
Protein change: p.Pro236=; no amino-acid change (proline 236 retained).
Molecular consequence: synonymous variant.
Genome position (GRCh38, 1-based): chr7:47,931,133, C>T on the plus strand (G>A on the coding strand, the complement: PKD1L1 is on the minus strand). VCF-style: chr7-47931133-C-T. GRCh37 (hg19) VCF-style: chr7-47970730-C-T.
Identifiers: ClinVar variation 3039592 (VCV003039592.4), dbSNP rs555610106, ClinGen allele CA4254273.